The following is an entry in ClinVar:

NM_004747.4(DLG5):c.3431A>G (p.Glu1144Gly)

Gene: DLG5 (discs large MAGUK scaffold protein 5; minus strand). Cytogenetic location: 10q22.3.
Variant type: single nucleotide variant.
Coding change: c.3431A>G on transcript NM_004747.4 (MANE Select); coding-DNA position 3431, A replaced by G.
Protein change: p.Glu1144Gly; replaces glutamic acid 1144 with glycine.
Molecular consequence: missense variant.
Genome position (GRCh38, 1-based): chr10:77,819,990, T>C on the plus strand (A>G on the coding strand, the complement: DLG5 is on the minus strand). VCF-style: chr10-77819990-T-C. GRCh37 (hg19) VCF-style: chr10-79579748-T-C.
Other names: short protein forms E1144G.
Identifiers: ClinVar variation 2631079 (VCV002631079.1), dbSNP rs2492046557, ClinGen allele CA377321166.

ClinVar aggregate classification (germline): Uncertain significance (1 of 4 stars; one submission).

Conditions:
DLG5-related disorder. Also called: DLG5-related condition.

Submission:

PreventionGenetics, part of Exact Sciences
Classification: Uncertain significance for DLG5-related condition. Last evaluated: 2023-10-11. Review status: criteria provided, single submitter. Criteria: ACMG Guidelines, 2015. Collection method: clinical testing. Allele origin: germline.
Comment: The DLG5 c.3431A>G variant is predicted to result in the amino acid substitution p.Glu1144Gly. To our knowledge, this variant has not been reported in the literature or in a large population database, indicating this variant is rare. At this time, the clinical significance of this variant is uncertain due to the absence of conclusive functional and genetic evidence.